The following is an entry in ClinVar:

NM_004946.3(DOCK2):c.3233G>A (p.Gly1078Asp)

Gene: DOCK2 (dedicator of cytokinesis 2; plus strand). Cytogenetic location: 5q35.1.
Variant type: single nucleotide variant.
Coding change: c.3233G>A on transcript NM_004946.3 (MANE Select); coding-DNA position 3233, G replaced by A.
Protein change: p.Gly1078Asp; replaces glycine 1078 with aspartic acid.
Molecular consequence: missense variant. On other transcripts: non-coding transcript variant (1).
Genome position (GRCh38, 1-based): chr5:170,018,960, G>A. VCF-style: chr5-170018960-G-A. GRCh37 (hg19) VCF-style: chr5-169445964-G-A.
Other names: c.3233G>A, p.Gly1078Asp (LRG_1227t1); short protein forms G1078D.
Identifiers: ClinVar variation 570958 (VCV000570958.10), dbSNP rs1561883336, ClinGen allele CA362104920.

ClinVar aggregate classification (germline): Uncertain significance (1 of 4 stars; one submission).

Conditions:
DOCK2 deficiency. Also called: Immunodeficiency 40. Identifiers: Orphanet 447737, MedGen C4225328, MONDO:0014637, OMIM 616433.

gnomAD v4.1: 1 of 1,613,670 alleles (0.000062%); highest among the groups gnomAD compares: Non-Finnish European, 0.000085%; no homozygotes.

Submission:

Labcorp Genetics (formerly Invitae), Labcorp
Classification: Uncertain significance for DOCK2 deficiency. Last evaluated: 2019-03-26. Review status: criteria provided, single submitter. Criteria: Invitae Variant Classification Sherloc (09022015). Collection method: clinical testing. Allele origin: germline.
Comment: In summary, the available evidence is currently insufficient to determine the role of this variant in disease. Therefore, it has been classified as a Variant of Uncertain Significance. Algorithms developed to predict the effect of missense changes on protein structure and function do not agree on the potential impact of this missense change (SIFT: "Deleterious"; PolyPhen-2: "Probably Damaging"; Align-GVGD: "Class C0"). This variant has not been reported in the literature in individuals with DOCK2-related disease. This variant is not present in population databases (ExAC no frequency). This sequence change replaces glycine with aspartic acid at codon 1078 of the DOCK2 protein (p.Gly1078Asp). The glycine residue is moderately conserved and there is a moderate physicochemical difference between glycine and aspartic acid.